The following is an entry in ClinVar:

ClinVar aggregate classification (germline): Uncertain significance. Review status: criteria provided, multiple submitters, no conflicts (2 of 4 stars). 4 submissions from 3 submitters: Uncertain significance (4). Last evaluated 2024-02-24.

Conditions:
Developmental and epileptic encephalopathy, 14 (DEE14). Also called: Early infantile epileptic encephalopathy 14. Identifiers: Orphanet 293181, MedGen C3554195, MONDO:0013989, OMIM 614959.
Autosomal dominant nocturnal frontal lobe epilepsy 5. Also called: Epilepsy, nocturnal frontal lobe, 5; KCNT1-Related Epilepsy; CILIARY DYSKINESIA, PRIMARY, 28, WITHOUT SITUS INVERSUS; CILIARY DYSKINESIA, PRIMARY, 28, WITH SITUS INVERSUS. Identifiers: Orphanet 98784, MedGen C3554306, MONDO:0014002, OMIM 615005.

Allele frequency attached by ClinVar (database versions not stated): gnomAD exomes below 0.00001; TOPMed below 0.00001.
gnomAD v4.1: 2 of 1,606,208 alleles (0.00012%); highest among the groups gnomAD compares: Non-Finnish European, 0.00017%; no homozygotes.

Submissions (4):

Labcorp Genetics (formerly Invitae), Labcorp
Classification: Uncertain significance for Autosomal dominant nocturnal frontal lobe epilepsy 5; Developmental and epileptic encephalopathy, 14. Last evaluated: 2024-02-24. Review status: criteria provided, single submitter. Criteria: Invitae Variant Classification Sherloc (09022015). Collection method: clinical testing. Allele origin: germline.
Comment: This sequence change replaces alanine, which is neutral and non-polar, with serine, which is neutral and polar, at codon 957 of the KCNT1 protein (p.Ala957Ser). The frequency data for this variant in the population databases is considered unreliable, as metrics indicate poor data quality at this position in the gnomAD database. This variant has not been reported in the literature in individuals affected with KCNT1-related conditions. ClinVar contains an entry for this variant (Variation ID: 579938). Advanced modeling of protein sequence and biophysical properties (such as structural, functional, and spatial information, amino acid conservation, physicochemical variation, residue mobility, and thermodynamic stability) performed at Invitae indicates that this missense variant is not expected to disrupt KCNT1 protein function with a negative predictive value of 80%. In summary, the available evidence is currently insufficient to determine the role of this variant in disease. Therefore, it has been classified as a Variant of Uncertain Significance.

Genome-Nilou Lab
Classification: Uncertain significance for Developmental and epileptic encephalopathy, 14. Last evaluated: 2022-03-15. Review status: criteria provided, single submitter. Criteria: ACMG Guidelines, 2015. Collection method: clinical testing. Allele origin: germline. Affected: no.

Genome-Nilou Lab
Classification: Uncertain significance for Autosomal dominant nocturnal frontal lobe epilepsy 5. Last evaluated: 2022-03-15. Review status: criteria provided, single submitter. Criteria: ACMG Guidelines, 2015. Collection method: clinical testing. Allele origin: germline. Affected: no.

CeGaT Center for Human Genetics Tuebingen
Classification: Uncertain significance. Last evaluated: 2021-10-01. Review status: criteria provided, single submitter. Criteria: CeGaT Center For Human Genetics Tuebingen Variant Classification Criteria Version 2. Collection method: clinical testing. Allele origin: germline. Affected: yes. Observed: 1 variant allele.

NM_020822.3(KCNT1):c.2869G>T (p.Ala957Ser)

Gene: KCNT1 (potassium sodium-activated channel subfamily T member 1; plus strand). Cytogenetic location: 9q34.3.
Variant type: single nucleotide variant.
Coding change: c.2869G>T on transcript NM_020822.3 (MANE Select); coding-DNA position 2869, G replaced by T.
Protein change: p.Ala957Ser; replaces alanine 957 with serine.
Molecular consequence: missense variant.
Genome position (GRCh38, 1-based): chr9:135,784,051, G>T. VCF-style: chr9-135784051-G-T. GRCh37 (hg19) VCF-style: chr9-138675897-G-T.
Other names: c.2734G>T, p.Ala912Ser (NM_001272003.2); short protein forms A957S, A912S.
Identifiers: ClinVar variation 579938 (VCV000579938.43), dbSNP rs1277322108, ClinGen allele CA375517358.